The following is an entry in ClinVar:

ClinVar aggregate classification (germline): Uncertain significance (0 of 4 stars; one submission).

Conditions:
PLXNA1-related disorder. Also called: PLXNA1-related condition.

gnomAD v4.1: 2 of 1,613,260 alleles (0.00012%); highest among the groups gnomAD compares: Non-Finnish European, 0.00017%; no homozygotes.

Submission:

PreventionGenetics, part of Exact Sciences
Classification: Uncertain significance for PLXNA1-related condition. Last evaluated: 2023-12-19. Review status: no assertion criteria provided. Collection method: clinical testing. Allele origin: germline.
Comment: The PLXNA1 c.3202G>T variant is predicted to result in the amino acid substitution p.Val1068Phe. To our knowledge, this variant has not been reported in the literature or in a large population database, indicating this variant is rare. At this time, the clinical significance of this variant is uncertain due to the absence of conclusive functional and genetic evidence.

NM_032242.4(PLXNA1):c.3202G>T (p.Val1068Phe)

Gene: PLXNA1 (plexin A1; plus strand). Cytogenetic location: 3q21.3.
Variant type: single nucleotide variant.
Coding change: c.3202G>T on transcript NM_032242.4 (MANE Select); coding-DNA position 3202, G replaced by T.
Protein change: p.Val1068Phe; replaces valine 1068 with phenylalanine.
Molecular consequence: missense variant.
Genome position (GRCh38, 1-based): chr3:127,016,963, G>T. VCF-style: chr3-127016963-G-T. GRCh37 (hg19) VCF-style: chr3-126735806-G-T.
Other names: short protein forms V1068F.
Identifiers: ClinVar variation 3044290 (VCV003044290.2), dbSNP rs2079126903, ClinGen allele CA354389842.